The following is an entry in ClinVar:

ClinVar aggregate classification (germline): Uncertain significance (1 of 4 stars; one submission).

Submission:

Labcorp Genetics (formerly Invitae), Labcorp
Classification: Uncertain significance. Last evaluated: 2022-08-21. Review status: criteria provided, single submitter. Criteria: Invitae Variant Classification Sherloc (09022015). Collection method: clinical testing. Allele origin: germline.
Comment: In summary, the available evidence is currently insufficient to determine the role of this variant in disease. Therefore, it has been classified as a Variant of Uncertain Significance. Algorithms developed to predict the effect of sequence changes on RNA splicing suggest that this variant may disrupt the consensus splice site. This variant has not been reported in the literature in individuals affected with CACNA1B-related conditions. This variant is not present in population databases (gnomAD no frequency). This sequence change falls in intron 22 of the CACNA1B gene. It does not directly change the encoded amino acid sequence of the CACNA1B protein.

NM_000718.4(CACNA1B):c.3544-8G>A

Gene: CACNA1B (calcium voltage-gated channel subunit alpha1 B; plus strand). Cytogenetic location: 9q34.3.
Variant type: single nucleotide variant.
Coding change: c.3544-8G>A on transcript NM_000718.4 (MANE Select); 8 bases into the intron before coding-DNA position 3544, G replaced by A.
Molecular consequence: intron variant.
Genome position (GRCh38, 1-based): chr9:138,047,391, G>A. VCF-style: chr9-138047391-G-A. GRCh37 (hg19) VCF-style: chr9-140941843-G-A.
Other names: c.3544-8G>A (NM_001243812.2).
Identifiers: ClinVar variation 1899413 (VCV001899413.5), dbSNP rs2539430110, ClinGen allele CA2580081049.